The following is an entry in ClinVar:

ClinVar aggregate classification (germline): Uncertain significance. Review status: criteria provided, multiple submitters, no conflicts (2 of 4 stars). 2 submissions from 2 submitters: Uncertain significance (2). Last evaluated 2021-09-01.

Conditions:
Inborn genetic diseases. Identifiers: MedGen C0950123, MeSH D030342.
Hereditary sensory and autonomic neuropathy type 6. Also called: Neuropathy, hereditary sensory and autonomic, type VI; HSAN VI. Identifiers: Orphanet 314381, MedGen C3539003, MONDO:0013839, OMIM 614653.
Epidermolysis bullosa simplex 3, localized or generalized intermediate, with BP230 deficiency (EBS3). Also called: Epidermolysis bullosa simplex, autosomal recessive 2; Epidermolysis bullosa simplex due to BP230 deficiency. Identifiers: Orphanet 412181, MedGen C3809470, MONDO:0014180, OMIM 615425.

Allele frequency attached by ClinVar (database versions not stated): TOPMed below 0.00001; ExAC 0.00001; gnomAD exomes 0.00001 and 0.00002.
gnomAD v4.1: 6 of 1,613,978 alleles (0.00037%); highest among the groups gnomAD compares: East Asian, 0.0022%; no homozygotes.

Submissions (2):

Labcorp Genetics (formerly Invitae), Labcorp
Classification: Uncertain significance for Epidermolysis bullosa simplex 3, localized or generalized intermediate, with BP230 deficiency; Hereditary sensory and autonomic neuropathy type 6. Last evaluated: 2021-09-01. Review status: criteria provided, single submitter. Criteria: Invitae Variant Classification Sherloc (09022015). Collection method: clinical testing. Allele origin: germline.
Comment: This sequence change replaces serine with asparagine at codon 684 of the DST protein (p.Ser684Asn). The serine residue is highly conserved and there is a small physicochemical difference between serine and asparagine. This variant is present in population databases (rs778210177, ExAC 0.001%). This variant has not been reported in the literature in individuals affected with DST-related conditions. Algorithms developed to predict the effect of missense changes on protein structure and function (SIFT, PolyPhen-2, Align-GVGD) all suggest that this variant is likely to be disruptive. In summary, the available evidence is currently insufficient to determine the role of this variant in disease. Therefore, it has been classified as a Variant of Uncertain Significance.

Ambry Genetics
Classification: Uncertain significance for Inborn genetic diseases. Last evaluated: 2020-10-29. Review status: criteria provided, single submitter. Criteria: Ambry Variant Classification Scheme 2023. Collection method: clinical testing. Allele origin: germline.
Comment: The p.S1188N variant (also known as c.3563G>A), located in coding exon 27 of the DST gene, results from a G to A substitution at nucleotide position 3563. The serine at codon 1188 is replaced by asparagine, an amino acid with highly similar properties. This amino acid position is well conserved in available vertebrate species. In addition, this alteration is predicted to be tolerated by in silico analysis. Since supporting evidence is limited at this time, the clinical significance of this alteration remains unclear.

NM_001374736.1(DST):c.3662G>A (p.Ser1221Asn)

Gene: DST (dystonin; minus strand). Cytogenetic location: 6p12.1.
Variant type: single nucleotide variant.
Coding change: c.3662G>A on transcript NM_001374736.1 (MANE Select); coding-DNA position 3662, G replaced by A.
Protein change: p.Ser1221Asn; replaces serine 1221 with asparagine.
Molecular consequence: missense variant.
Genome position (GRCh38, 1-based): chr6:56,632,997, C>T on the plus strand (G>A on the coding strand, the complement: DST is on the minus strand). VCF-style: chr6-56632997-C-T. GRCh37 (hg19) VCF-style: chr6-56497795-C-T.
Other names: c.3563G>A, p.Ser1188Asn (NM_001144769.5); c.3149G>A, p.Ser1050Asn (NM_001144770.2); c.3662G>A, p.Ser1221Asn (NM_001374722.1); c.3029G>A, p.Ser1010Asn (NM_001374729.1, NM_001374730.1, NM_001386100.1 and 1 more transcripts); c.3689G>A, p.Ser1230Asn (NM_001374734.1); c.2051G>A, p.Ser684Asn (NM_001723.7, NM_015548.5); short protein forms S1188N, S684N, S1010N, S1050N, S1221N, S1230N.
Identifiers: ClinVar variation 648220 (VCV000648220.8), dbSNP rs778210177, ClinGen allele CA3871095.